The following is an entry in ClinVar:

ClinVar aggregate classification (germline): Uncertain significance (1 of 4 stars; one submission).

Submission:

Labcorp Genetics (formerly Invitae), Labcorp
Classification: Uncertain significance. Last evaluated: 2023-04-04. Review status: criteria provided, single submitter. Criteria: Invitae Variant Classification Sherloc (09022015). Collection method: clinical testing. Allele origin: germline.
Comment: This sequence change replaces phenylalanine, which is neutral and non-polar, with cysteine, which is neutral and slightly polar, at codon 207 of the TYR protein (p.Phe207Cys). This variant is not present in population databases (gnomAD no frequency). This variant has not been reported in the literature in individuals affected with TYR-related conditions. Advanced modeling of protein sequence and biophysical properties (such as structural, functional, and spatial information, amino acid conservation, physicochemical variation, residue mobility, and thermodynamic stability) performed at Invitae indicates that this missense variant is expected to disrupt TYR protein function. In summary, the available evidence is currently insufficient to determine the role of this variant in disease. Therefore, it has been classified as a Variant of Uncertain Significance.

NM_000372.5(TYR):c.620T>G (p.Phe207Cys)

Gene: TYR (tyrosinase; plus strand). Cytogenetic location: 11q14.3.
Variant type: single nucleotide variant.
Coding change: c.620T>G on transcript NM_000372.5 (MANE Select); coding-DNA position 620, T replaced by G.
Protein change: p.Phe207Cys; replaces phenylalanine 207 with cysteine.
Molecular consequence: missense variant.
Genome position (GRCh38, 1-based): chr11:89,178,573, T>G. VCF-style: chr11-89178573-T-G. GRCh37 (hg19) VCF-style: chr11-88911741-T-G.
Other names: short protein forms F207C.
Identifiers: ClinVar variation 2852097 (VCV002852097.3), dbSNP rs2496530104, ClinGen allele CA382034992.
Genomic context (GRCh38, chr11:89,178,573, plus strand): 5'-CACTGCTTGGGGGATCTGAAATCTGGAGAGACATTGATTTTGCCCATGAAGCACCAGCTT[T>G]TCTGCCTTGGCATAGACTCTTCTTGTTGCGGTGGGAACAAGAAATCCAGAAGCTGACAGG-3'
Protein context (NP_000363.1, residues 197-217): DIDFAHEAPA[Phe207Cys]LPWHRLFLLR